The following is an entry in ClinVar:

ClinVar aggregate classification (germline): Uncertain significance. Review status: criteria provided, multiple submitters, no conflicts (2 of 4 stars). 2 submissions from 2 submitters: Uncertain significance (2). Last evaluated 2025-11-09.

Conditions:
Familial adenomatous polyposis 1 (FAP1). Also called: POLYPOSIS, ADENOMATOUS INTESTINAL; FAMILIAL ADENOMATOUS POLYPOSIS 1, ATTENUATED. Identifiers: MedGen C2713442, MONDO:0021056, OMIM 175100. Disease mechanism: loss of function.
Hereditary cancer-predisposing syndrome. Also called: Neoplastic Syndromes, Hereditary; Tumor predisposition; Hereditary Cancer Syndrome; Hereditary neoplastic syndrome. Identifiers: Orphanet 140162, MedGen C0027672, MeSH D009386, MONDO:0015356.

gnomAD v4.1: 1 of 1,614,084 alleles (0.000062%); highest among the groups gnomAD compares: Non-Finnish European, 0.000085%; no homozygotes.

Submissions (2):

Ambry Genetics
Classification: Uncertain significance for Hereditary cancer-predisposing syndrome. Last evaluated: 2025-11-09. Review status: criteria provided, single submitter. Criteria: Ambry Variant Classification Scheme 2023. Collection method: clinical testing. Allele origin: germline.
Comment: The p.N2060D variant (also known as c.6178A>G), located in coding exon 15 of the APC gene, results from an A to G substitution at nucleotide position 6178. The asparagine at codon 2060 is replaced by aspartic acid, an amino acid with highly similar properties. This amino acid position is conserved. In addition, in silico predictors for this gene do not accurately predict pathogenicity. Based on the available evidence, the clinical significance of this variant remains unclear.

Labcorp Genetics (formerly Invitae), Labcorp
Classification: Uncertain significance for Familial adenomatous polyposis 1. Last evaluated: 2025-06-09. Review status: criteria provided, single submitter. Criteria: Invitae Variant Classification Sherloc (09022015). Collection method: clinical testing. Allele origin: germline.
Comment: This sequence change replaces asparagine, which is neutral and polar, with aspartic acid, which is acidic and polar, at codon 2060 of the APC protein (p.Asn2060Asp). This variant is not present in population databases (gnomAD no frequency). This variant has not been reported in the literature in individuals affected with APC-related conditions. Invitae Evidence Modeling of protein sequence and biophysical properties (such as structural, functional, and spatial information, amino acid conservation, physicochemical variation, residue mobility, and thermodynamic stability) indicates that this missense variant is not expected to disrupt APC protein function with a negative predictive value of 95%. In summary, the available evidence is currently insufficient to determine the role of this variant in disease. Therefore, it has been classified as a Variant of Uncertain Significance.

NM_000038.6(APC):c.6178A>G (p.Asn2060Asp)

Gene: APC (APC regulator of Wnt signaling pathway; plus strand). Cytogenetic location: 5q22.2.
Variant type: single nucleotide variant.
Coding change: c.6178A>G on transcript NM_000038.6 (MANE Select); coding-DNA position 6178, A replaced by G.
Protein change: p.Asn2060Asp; replaces asparagine 2060 with aspartic acid.
Molecular consequence: missense variant. On other transcripts: non-coding transcript variant (2).
Genome position (GRCh38, 1-based): chr5:112,841,772, A>G. VCF-style: chr5-112841772-A-G. GRCh37 (hg19) VCF-style: chr5-112177469-A-G.
Other names: c.6178A>G, p.Asn2060Asp (NM_001127510.3, NM_001354895.2, NM_001407450.1); c.6124A>G, p.Asn2042Asp (NM_001127511.3); c.6232A>G, p.Asn2078Asp (NM_001354896.2, NM_001407447.1, NM_001407448.1 and 1 more transcripts); c.6208A>G, p.Asn2070Asp (NM_001354897.2); c.6103A>G, p.Asn2035Asp (NM_001354898.2); c.6094A>G, p.Asn2032Asp (NM_001354899.2); c.6055A>G, p.Asn2019Asp (NM_001354900.2); c.6001A>G, p.Asn2001Asp (NM_001354901.2, NM_001407453.1); and 11 more; short protein forms N1900D, N1959D, N2001D, N2032D, N2050D, N2088D, N1777D, N1931D.
Identifiers: ClinVar variation 4566424 (VCV004566424.2).
Genomic context (GRCh38, chr5:112,841,772, plus strand): 5'-CAGGAATGTATAAGCTCCGCAATGCCAAAAAAGAAAAAGCCTTCAAGACTCAAGGGTGAT[A>G]ATGAAAAACATAGTCCCAGAAATATGGGTGGCATATTAGGTGAAGATCTGACACTTGATT-3'
Protein context (NP_000029.2, residues 2050-2070): KKKPSRLKGD[Asn2060Asp]EKHSPRNMGG